The following is an entry in ClinVar:

NM_030912.3(TRIM8):c.1205C>A (p.Ala402Glu)

Gene: TRIM8 (tripartite motif containing 8; plus strand). Cytogenetic location: 10q24.32.
Variant type: single nucleotide variant.
Coding change: c.1205C>A on transcript NM_030912.3 (MANE Select); coding-DNA position 1205, C replaced by A.
Protein change: p.Ala402Glu; replaces alanine 402 with glutamic acid.
Molecular consequence: missense variant. On other transcripts: non-coding transcript variant (1).
Genome position (GRCh38, 1-based): chr10:102,656,903, C>A. VCF-style: chr10-102656903-C-A. GRCh37 (hg19) VCF-style: chr10-104416660-C-A.
Other names: c.1109C>A, p.Ala370Glu (NM_001345950.1); short protein forms A370E, A402E.
Identifiers: ClinVar variation 1317192 (VCV001317192.2), dbSNP rs376175381, ClinGen allele CA377931477.

ClinVar aggregate classification (germline): Uncertain significance (1 of 4 stars; one submission).

Submission:

GeneDx
Classification: Uncertain significance. Last evaluated: 2021-04-09. Review status: criteria provided, single submitter. Criteria: GeneDx Variant Classification Process June 2021. Collection method: clinical testing. Allele origin: germline. Affected: yes.
Comment: Not observed in large population cohorts (Lek et al., 2016); In silico analysis supports that this missense variant does not alter protein structure/function; Has not been previously published as pathogenic or benign to our knowledge